The following is an entry in ClinVar:

ClinVar aggregate classification (germline): Uncertain significance (1 of 4 stars; one submission).

Conditions:
Gorlin syndrome. Also called: Nevoid Basal Cell Carcinoma Syndrome; Basal cell nevus syndrome. Identifiers: Orphanet 377, MedGen C0004779, MONDO:0007187.

Submission:

Labcorp Genetics (formerly Invitae), Labcorp
Classification: Uncertain significance for Gorlin syndrome. Last evaluated: 2020-02-27. Review status: criteria provided, single submitter. Criteria: Invitae Variant Classification Sherloc (09022015). Collection method: clinical testing. Allele origin: germline.
Comment: In summary, the available evidence is currently insufficient to determine the role of this variant in disease. Therefore, it has been classified as a Variant of Uncertain Significance. This sequence change replaces glycine with glutamic acid at codon 791 of the PTCH2 protein (p.Gly791Glu). The glycine residue is moderately conserved and there is a moderate physicochemical difference between glycine and glutamic acid. This variant is not present in population databases (ExAC no frequency). This variant has not been reported in the literature in individuals with PTCH2-related conditions. Algorithms developed to predict the effect of missense changes on protein structure and function (SIFT, PolyPhen-2, Align-GVGD) all suggest that this variant is likely to be tolerated, but these predictions have not been confirmed by published functional studies and their clinical significance is uncertain.

NM_003738.5(PTCH2):c.2372G>A (p.Gly791Glu)

Gene: PTCH2 (patched 2; minus strand). Cytogenetic location: 1p34.1.
Variant type: single nucleotide variant.
Coding change: c.2372G>A on transcript NM_003738.5 (MANE Select); coding-DNA position 2372, G replaced by A.
Protein change: p.Gly791Glu; replaces glycine 791 with glutamic acid.
Molecular consequence: missense variant.
Genome position (GRCh38, 1-based): chr1:44,827,309, C>T on the plus strand (G>A on the coding strand, the complement: PTCH2 is on the minus strand). VCF-style: chr1-44827309-C-T. GRCh37 (hg19) VCF-style: chr1-45292981-C-T.
Other names: c.2372G>A, p.Gly791Glu (NM_001166292.2); short protein forms G791E.
Identifiers: ClinVar variation 847237 (VCV000847237.10), dbSNP rs1653198432, ClinGen allele CA340095757.
Genomic context (GRCh38, chr1:44,827,309, plus strand): 5'-CGGTACGAGTGGCGGGTGATGCGCCCAGAAGCCCAGTCCTGGTCAAAGGCAGCCTGGATT[C>T]CTGGGGGAGACCAGGATAGGGTTCTATTAGCTGGTGGCCCCAGGGCGTTTCTCCCTGCAG-3'
Protein context (NP_003729.3, residues 781-801): WLHYYRNWLQ[Gly791Glu]IQAAFDQDWA